The following is an entry in ClinVar:

NM_014000.3(VCL):c.3158G>A (p.Cys1053Tyr)

Gene: VCL (vinculin; plus strand). Cytogenetic location: 10q22.2.
Variant type: single nucleotide variant.
Coding change: c.3158G>A on transcript NM_014000.3 (MANE Select); coding-DNA position 3158, G replaced by A.
Protein change: p.Cys1053Tyr; replaces cysteine 1053 with tyrosine.
Molecular consequence: missense variant.
Genome position (GRCh38, 1-based): chr10:74,114,799, G>A. VCF-style: chr10-74114799-G-A. GRCh37 (hg19) VCF-style: chr10-75874557-G-A.
Other names: c.2954G>A, p.Cys985Tyr (NM_003373.4); short protein forms C1053Y, C985Y.
Identifiers: ClinVar variation 1031224 (VCV001031224.1), dbSNP rs1840287071, ClinGen allele CA377267348.

ClinVar aggregate classification (germline): Uncertain significance (1 of 4 stars; one submission).

Conditions:
Dilated cardiomyopathy 1W (CMD1W). Identifiers: Orphanet 154, MedGen C1969639, MONDO:0012667, OMIM 611407.

Submission:

Baylor Genetics
Classification: Uncertain significance for Dilated cardiomyopathy 1W. Last evaluated: 2020-06-01. Review status: criteria provided, single submitter. Criteria: ACMG Guidelines, 2015. Collection method: clinical testing. Allele origin: unknown. Affected: yes.
Comment: This variant was determined to be of uncertain significance according to ACMG Guidelines, 2015 [PMID:25741868].